The following is an entry in ClinVar:

ClinVar aggregate classification (germline): Benign. Review status: criteria provided, multiple submitters, no conflicts (2 of 4 stars). 3 submissions from 3 submitters: Benign (2). 1 of the submissions does not count toward it. Last evaluated 2026-02-04.

Conditions:
PLXNA1-related disorder. Also called: PLXNA1-related condition.

Allele frequency attached by ClinVar (database versions not stated): ESP Exome Variant Server 0.42919; TOPMed 0.43078; 1000 Genomes Project 0.47284; 1000 Genomes Project 30x 0.47892.
gnomAD v4.1: 540,348 of 1,612,908 alleles (34%); highest among the groups gnomAD compares: African/African-American, 66%; 95,705 homozygotes.

Submissions (3):

Labcorp Genetics (formerly Invitae), Labcorp
Classification: Benign. Last evaluated: 2026-02-04. Review status: criteria provided, single submitter. Criteria: Invitae Variant Classification Sherloc (09022015). Collection method: clinical testing. Allele origin: germline.

Breakthrough Genomics
Classification: Benign. Review status: criteria provided, single submitter. Criteria: ACMG Guidelines, 2015. Collection method: not provided. Allele origin: germline. Inheritance: Autosomal recessive inheritance. Affected: yes.

PreventionGenetics, part of Exact Sciences
Classification: Benign for PLXNA1-related condition. Last evaluated: 2019-10-18. Review status: no assertion criteria provided. Collection method: clinical testing. Allele origin: germline. Not counted in ClinVar's aggregate classification.
Comment: This variant is classified as benign based on ACMG/AMP sequence variant interpretation guidelines (Richards et al. 2015 PMID: 25741868, with internal and published modifications).

NM_032242.4(PLXNA1):c.1017T>C (p.Thr339=)

Gene: PLXNA1 (plexin A1; plus strand). Cytogenetic location: 3q21.3.
Variant type: single nucleotide variant.
Coding change: c.1017T>C on transcript NM_032242.4 (MANE Select); coding-DNA position 1017, T replaced by C.
Protein change: p.Thr339=; no amino-acid change (threonine 339 retained).
Molecular consequence: synonymous variant.
Genome position (GRCh38, 1-based): chr3:126,989,610, T>C. VCF-style: chr3-126989610-T-C. GRCh37 (hg19) VCF-style: chr3-126708453-T-C.
Other names: c.1017T>C (NM_032242.3).
Identifiers: ClinVar variation 1542478 (VCV001542478.11), dbSNP rs6773789, ClinGen allele CA2593104.